The following is an entry in ClinVar:

NM_000417.3(IL2RA):c.*55T>C

Gene: IL2RA (interleukin 2 receptor subunit alpha; minus strand). Cytogenetic location: 10p15.1.
Variant type: single nucleotide variant.
Coding change: c.*55T>C on transcript NM_000417.3 (MANE Select); 55 bases downstream of the stop codon, T replaced by C.
Molecular consequence: 3 prime UTR variant.
Genome position (GRCh38, 1-based): chr10:6,012,817, A>G on the plus strand (T>C on the coding strand, the complement: IL2RA is on the minus strand). VCF-style: chr10-6012817-A-G. GRCh37 (hg19) VCF-style: chr10-6054780-A-G.
Other names: c.*55T>C (NM_001308242.2, NM_001308243.2).
Identifiers: ClinVar variation 880360 (VCV000880360.5), dbSNP rs12722713, ClinGen allele CA202288776.
Genomic context (GRCh38, chr10:6,012,817, plus strand): 5'-AGCACAACGGATGTCTCCTGGGCGACCATTTAGCACCTTTGATTTCACTTGGGCTTCATG[A>G]CTTCTGTTGTCTGTTCCCGGCTTCTTACCAAGAAATTCTTGTTCTTTTGGTTTTCTAGAT-3'

ClinVar aggregate classification (germline): Benign. Review status: criteria provided, multiple submitters, no conflicts (2 of 4 stars). 2 submissions from 2 submitters: Benign (2). Last evaluated 2017-04-27.

Conditions:
Immunodeficiency due to CD25 deficiency. Also called: CD25 DEFICIENCY; IL2RA DEFICIENCY; IMMUNODEFICIENCY 41 WITH LYMPHOPROLIFERATION AND AUTOIMMUNITY. Identifiers: Orphanet 169100, MedGen C1853392, MONDO:0011664, OMIM 606367.

Allele frequency attached by ClinVar (database versions not stated): gnomAD exomes 0.00060; 1000 Genomes Project 0.00659; 1000 Genomes Project 30x 0.00718; gnomAD 0.00719 and 0.00759; TOPMed 0.00760; ESP Exome Variant Server 0.01095.

Submissions (2):

Illumina Laboratory Services, Illumina
Classification: Benign for Immunodeficiency due to CD25 deficiency. Last evaluated: 2017-04-27. Review status: criteria provided, single submitter. Criteria: ICSL Variant Classification Criteria 13 December 2019. Collection method: clinical testing. Allele origin: germline.
Comment: This variant was observed as part of a predisposition screen in an ostensibly healthy population. A literature search was performed for the gene, cDNA change, and amino acid change (where applicable). No publications were found based on this search. Allele frequency data from public databases was too high to be consistent with this variant causing disease. Therefore, this variant is classified as benign.

Breakthrough Genomics
Classification: Benign. Review status: criteria provided, single submitter. Criteria: ACMG Guidelines, 2015. Collection method: not provided. Allele origin: germline. Inheritance: Autosomal recessive inheritance. Affected: yes.